The following is an entry in ClinVar:

NM_001372066.1(TFAP2A):c.877T>C (p.Ser293Pro)

Gene: TFAP2A (transcription factor AP-2 alpha; minus strand). Cytogenetic location: 6p24.3.
Variant type: single nucleotide variant.
Coding change: c.877T>C on transcript NM_001372066.1 (MANE Select); coding-DNA position 877, T replaced by C.
Protein change: p.Ser293Pro; replaces serine 293 with proline.
Molecular consequence: missense variant.
Genome position (GRCh38, 1-based): chr6:10,402,504, A>G on the plus strand (T>C on the coding strand, the complement: TFAP2A is on the minus strand). VCF-style: chr6-10402504-A-G. GRCh37 (hg19) VCF-style: chr6-10402737-A-G.
Other names: c.853T>C, p.Ser285Pro (NM_001032280.3); c.859T>C, p.Ser287Pro (NM_001042425.3); short protein forms S285P, S293P, S287P.
Identifiers: ClinVar variation 4055784 (VCV004055784.2).

ClinVar aggregate classification (germline): Uncertain significance (1 of 4 stars; one submission).

gnomAD v4.1: 1 of 1,613,490 alleles (0.000062%); highest among the groups gnomAD compares: Non-Finnish European, 0.000085%; no homozygotes.

Submission:

GeneDx
Classification: Uncertain significance. Last evaluated: 2025-07-03. Review status: criteria provided, single submitter. Criteria: GeneDx Variant Classification Process June 2021. Collection method: clinical testing. Allele origin: germline.
Comment: Not observed at significant frequency in large population cohorts (gnomAD); In silico analysis supports that this missense variant has a deleterious effect on protein structure/function; Has not been previously published as pathogenic or benign to our knowledge